The following is an entry in ClinVar:

ClinVar aggregate classification (germline): Uncertain significance (1 of 4 stars; one submission).

Conditions:
Spinocerebellar ataxia type 35. Identifiers: Orphanet 276193, MedGen C3888031, MONDO:0013485, OMIM 613908.

Allele frequency attached by ClinVar (database versions not stated): gnomAD below 0.00001 and 0.00001; TOPMed below 0.00001; ExAC 0.00003; gnomAD exomes 0.00003 and 0.00004.
gnomAD v4.1: 42 of 1,611,596 alleles (0.0026%); highest among the groups gnomAD compares: South Asian, 0.045%; 1 homozygote.

Submission:

Baylor Genetics
Classification: Uncertain significance for Spinocerebellar ataxia type 35. Last evaluated: 2018-02-21. Review status: criteria provided, single submitter. Criteria: ACMG Guidelines, 2015. Collection method: clinical testing. Allele origin: paternal. Affected: yes.
Comment: This variant was determined to be of uncertain significance according to ACMG Guidelines, 2015 [PMID:25741868].

NM_198994.3(TGM6):c.64A>G (p.Thr22Ala)

Gene: TGM6 (transglutaminase 6; plus strand). Cytogenetic location: 20p13.
Variant type: single nucleotide variant.
Coding change: c.64A>G on transcript NM_198994.3 (MANE Select); coding-DNA position 64, A replaced by G.
Protein change: p.Thr22Ala; replaces threonine 22 with alanine.
Molecular consequence: missense variant.
Genome position (GRCh38, 1-based): chr20:2,394,508, A>G. VCF-style: chr20-2394508-A-G. GRCh37 (hg19) VCF-style: chr20-2375154-A-G.
Other names: c.64A>G, p.Thr22Ala (NM_001254734.2); short protein forms T22A.
Identifiers: ClinVar variation 1033672 (VCV001033672.1), dbSNP rs773079291, ClinGen allele CA9731534.
Genomic context (GRCh38, chr20:2,394,508, plus strand): 5'-CCAGGGATCAGAGTCACCAAGGTGGACTGGCAGCGGTCGAGGAATGGCGCTGCCCACCAC[A>G]CCCAGGAGTACCCCTGCCCTGAGCTGGTGGTTCGCAGGGGCCAGTCGTTCAGCCTCACGC-3'
Protein context (NP_945345.2, residues 12-32): QRSRNGAAHH[Thr22Ala]QEYPCPELVV